The following is an entry in ClinVar:

NM_000744.7(CHRNA4):c.1243C>T (p.Pro415Ser)

Gene: CHRNA4 (cholinergic receptor nicotinic alpha 4 subunit; minus strand). Cytogenetic location: 20q13.33.
Variant type: single nucleotide variant.
Coding change: c.1243C>T on transcript NM_000744.7 (MANE Select); coding-DNA position 1243, C replaced by T.
Protein change: p.Pro415Ser; replaces proline 415 with serine.
Molecular consequence: missense variant. On other transcripts: non-coding transcript variant (1).
Genome position (GRCh38, 1-based): chr20:63,350,168, G>A on the plus strand (C>T on the coding strand, the complement: CHRNA4 is on the minus strand). VCF-style: chr20-63350168-G-A. GRCh37 (hg19) VCF-style: chr20-61981520-G-A.
Other names: c.715C>T, p.Pro239Ser (NM_001256573.2); short protein forms P239S, P415S.
Identifiers: ClinVar variation 1695784 (VCV001695784.2), dbSNP rs2123470966, ClinGen allele CA409634022.

ClinVar aggregate classification (germline): Uncertain significance (1 of 4 stars; one submission).

Submission:

GeneDx
Classification: Uncertain significance. Last evaluated: 2022-01-10. Review status: criteria provided, single submitter. Criteria: GeneDx Variant Classification Process June 2021. Collection method: clinical testing. Allele origin: germline. Affected: yes.
Comment: Not observed at significant frequency in large population cohorts (gnomAD); In silico analysis supports that this missense variant does not alter protein structure/function; Has not been previously published as pathogenic or benign to our knowledge